The following continues an entry in ClinVar:

NM_001267550.2(TTN):c.31763-1G>A

Gene: TTN. ClinVar aggregate classification (germline): Conflicting classifications of pathogenicity. Likely pathogenic (1); Uncertain significance (9); Likely benign (4).

Submissions 9 to 16 of 16:

Practice for Gait Abnormalities, David Pomarino, Competency Network Toe Walking C/o Practice Pomarino
Classification: Likely pathogenic for Tip-toe gait. Last evaluated: 2021-11-24. Review status: criteria provided, single submitter. Criteria: ACMG Guidelines, 2015. Collection method: clinical testing. Allele origin: germline. Affected: yes.
Comment: Myopathy refers to diseases that affect skeletal Muscles. These diseases attack muscle fibers, making muscles weak. Inherited myopathies are often caused by inheriting an abnormal gene mutation from a parent that causes the disease. Symptoms of congenital myopathies usually start at birth or in early childhood, but may not appear until the teen years or even later in adulthood. Congenital myopathies are somewhat unique compared with other inherited myopathies, as weakness typically affects all muscles and is often not progressive. Symptoms are: Muscle weakness, most commonly of upper arms and shoulders and thighs, muscle cramps, stiffness and spasms, fatigue with exertion and lack of energy. Our patients all walk on tiptoe, so they show similar symptoms. When we genetically test them with our toe walking panel, we find that around 90 per cent of them have a genetic variant that explains their toe walking. These can be assigned, for example, to the area of myopathies (such as variants of the COL6A3 gene), the area of hereditary neuropathies (such as variants of the KMT2C gene) or the area of metabolic diseases (such as variants of the PYGM gene). In a smaller group of patients with almost identical symptoms, no abnormality is found in the genes of our panel, but spastic paraplegia can be detected. In another small group of our toe walkers, no abnormalities can be detected in the genes analysed in our toe walking panel, nor do they suffer from spastic paraplegia, as is also the case with healthy children. In contrast to these, however, they show a tiptoe gait. These patients suffer from infantile cerebral palsy, in which toe walking can also be observed.

CHEO Genetics Diagnostic Laboratory, Children's Hospital of Eastern Ontario
Classification: Likely benign for Cardiomyopathy. Last evaluated: 2021-05-06. Review status: criteria provided, single submitter. Criteria: ACMG Guidelines, 2015. Collection method: clinical testing. Allele origin: germline.

Laboratory for Molecular Medicine, Mass General Brigham Personalized Medicine
Classification: Uncertain significance. Last evaluated: 2018-03-06. Review status: criteria provided, single submitter. Criteria: LMM Criteria. Collection method: clinical testing. Allele origin: germline. Observed: 4 variant alleles.
Comment: Variant classified as Uncertain Significance - Favor Benign. The c.28031-1G>A va riant in TTN has been reported in at least 1 individual with peripartum cardiomy opathy, 2 individuals with DCM, and 1 individual with interventricular conductio n delay (Ware 2016, Roberts 2015, Akinrinade 2016, LMM data). This variant has a lso been identified in 0.07% (83/126420) of European chromosomes by the Genome A ggregation Database (gnomAD; dbSNP rs202234172 ), which reduces the likelihood that the variant causes disease. This variant oc curs in the invariant region (+/- 1,2) of the splice consensus sequence and is p redicted to cause altered splicing leading to an abnormal or absent protein. Tru ncating variants in TTN are strongly associated with DCM, if they impact the exo ns encoding for the A-band (Herman 2012, Pugh 2014) and/or are located in an exo n that is highly expressed in the heart (Roberts 2015). Variants in the I-band, where the c.28031-1G>A variant is located, are less likely to be disease causing (Pugh 2014, Roberts 2015). In summary, while the clinical significance of the c .28031-1G>A variant is uncertain, its frequency suggests that it is more likely to be benign. ACMG/AMP Criteria applied: PS4_Supporting; BS1.

Eurofins Ntd Llc (ga)
Classification: Uncertain significance. Last evaluated: 2016-11-01. Review status: criteria provided, single submitter. Criteria: EGL Classification Definitions 2015. Collection method: clinical testing. Allele origin: germline. Observed: 5 variant alleles, 5 heterozygotes.

Athena Diagnostics
Classification: Uncertain significance. Last evaluated: 2016-09-06. Review status: criteria provided, single submitter. Criteria: Athena Diagnostics Criteria. Collection method: clinical testing. Allele origin: germline.

Cardiovascular Biomedical Research Unit, Royal Brompton & Harefield NHS Foundation Trust
Classification: Uncertain significance for Primary dilated cardiomyopathy. Last evaluated: 2014-10-08. Review status: criteria provided, single submitter. Criteria: Roberts et al. 2015. Collection method: research. Allele origin: germline. Inheritance: Autosomal dominant inheritance. Affected: no. Observed: 1 variant allele. Study: WHI cohort.
Comment: In the seven cohorts assessed, TTNtv were found in 14% of ambulant DCM, 22% end-stage or familial DCM, and 2% controls. Heterozygous nonsense, frameshift and canonical splice-disrupting variants found in constitutive and other highly utilised exons are highly likely to be pathogenic when identified in individuals with phenotypically confirmed DCM. TTNtv found incidentally in healthy individuals (excluding familial assessment of DCM relatives) are thought to have low penetrance, particularly when identified in exons that are not constitutively expressed in the heart.

Zotz-Klimas Genetics Lab, MVZ Zotz Klimas
Classification: Uncertain significance for Dilated cardiomyopathy 1G. Last evaluated: 2023-10-09. Review status: no assertion criteria provided. Collection method: clinical testing. Allele origin: germline. Affected: yes. Not counted in ClinVar's aggregate classification.

Cardiovascular Biomedical Research Unit, Royal Brompton & Harefield NHS Foundation Trust
Classification: Likely pathogenic for Primary dilated cardiomyopathy. Last evaluated: 2014-10-08. Review status: flagged submission. Criteria: Roberts et al. 2015. Collection method: research. Allele origin: germline. Inheritance: Autosomal dominant inheritance. Affected: yes. Observed: 1 variant allele. Study: Unselected DCM. Not counted in ClinVar's aggregate classification.
Comment: the same text as in the submission from Cardiovascular Biomedical Research Unit, Royal Brompton & Harefield NHS Foundation Trust above.
ClinVar note: Reason: Outlier claim with insufficient supporting evidence
ClinVar note: Reason: This record appears to be redundant with a more recent record from the same submitter.
ClinVar note: Notes: SCV000189637 appears to be redundant with SCV000189800.

Literature cited by the submitters: PubMed 25589632 (cited by 4 submitters); PubMed 26735901 (cited by 3 submitters); PubMed 26777568 (cited by 3 submitters); PubMed 27813223 (cited by Mayo Clinic Laboratories, Mayo Clinic and Women's Health and Genetics/Laboratory Corporation of America, LabCorp); PubMed 29961767 (cited by Mayo Clinic Laboratories, Mayo Clinic and Women's Health and Genetics/Laboratory Corporation of America, LabCorp); PubMed 31691645 (cited by Mayo Clinic Laboratories, Mayo Clinic and Women's Health and Genetics/Laboratory Corporation of America, LabCorp); PubMed 32815318 (cited by Mayo Clinic Laboratories, Mayo Clinic); PubMed 33106378 (cited by Mayo Clinic Laboratories, Mayo Clinic and Women's Health and Genetics/Laboratory Corporation of America, LabCorp); PubMed 33226272 (cited by Mayo Clinic Laboratories, Mayo Clinic); PubMed 33874732 (cited by Mayo Clinic Laboratories, Mayo Clinic and Women's Health and Genetics/Laboratory Corporation of America, LabCorp); PubMed 35177841 (cited by Mayo Clinic Laboratories, Mayo Clinic and Women's Health and Genetics/Laboratory Corporation of America, LabCorp); PubMed 23396983 (cited by Women's Health and Genetics/Laboratory Corporation of America, LabCorp and Athena Diagnostics); PubMed 30535219 (cited by Women's Health and Genetics/Laboratory Corporation of America, LabCorp); PubMed 29988065 (cited by Women's Health and Genetics/Laboratory Corporation of America, LabCorp); PubMed 37091313 (cited by Practice for Gait Abnormalities, David Pomarino, Competency Network Toe Walking C/o Practice Pomarino).